The following is an entry in ClinVar:

NM_000053.4(ATP7B):c.183A>G (p.Thr61=)

Gene: ATP7B (ATPase copper transporting beta; minus strand). Cytogenetic location: 13q14.3.
Variant type: single nucleotide variant.
Coding change: c.183A>G on transcript NM_000053.4 (MANE Select); coding-DNA position 183, A replaced by G.
Protein change: p.Thr61=; no amino-acid change (threonine 61 retained).
Molecular consequence: synonymous variant.
Genome position (GRCh38, 1-based): chr13:51,975,037, T>C on the plus strand (A>G on the coding strand, the complement: ATP7B is on the minus strand). VCF-style: chr13-51975037-T-C. GRCh37 (hg19) VCF-style: chr13-52549173-T-C.
Other names: c.183A>G, p.Thr61= (NM_001406541.1, NM_001406542.1, NM_001406545.1 and 30 more transcripts); c.87A>G, p.Thr29= (NM_001406544.1, NM_001406543.1, NM_001406517.1 and 4 more transcripts).
Identifiers: ClinVar variation 3073372 (VCV003073372.1), dbSNP rs759594215, ClinGen allele CA6989603.
Genomic context (GRCh38, chr13:51,975,037, plus strand): 5'-GGAAATCCTGTCCTCAATGGACTTCACACATGACTGGCAAGTCATGCCCAAGATCCTGAC[T>C]GTGCTGGTGGCCACCTGAGAAGAAGGGCCCAGGCCATCCAGACCACCTTCATAGCCAACA-3'
Protein context (NP_000044.2, residues 51-71): LGPSSQVATS[Thr61=]VRILGMTCQS

ClinVar aggregate classification (germline): Likely benign (1 of 4 stars; one submission).

Conditions:
Wilson disease (WND). Also called: Wilson's disease. Identifiers: Orphanet 905, MedGen C0019202, MONDO:0010200, OMIM 277900. Disease mechanism: loss of function.

Allele frequency attached by ClinVar (database versions not stated): gnomAD exomes 0.00001; ExAC 0.00002.
gnomAD v4.1: 5 of 1,614,264 alleles (0.00031%); highest among the groups gnomAD compares: Non-Finnish European, 0.00042%; no homozygotes.

Submission:

All of Us Research Program, National Institutes of Health
Classification: Likely benign for Wilson disease. Last evaluated: 2023-09-17. Review status: criteria provided, single submitter. Criteria: ACMG Guidelines, 2015. Collection method: clinical testing. Allele origin: germline. Inheritance: Autosomal recessive inheritance. Observed: 1 variant allele, 1 heterozygote.
Comment: This study involves interpretation of variants in research participants for the purpose of population health screening. Participant phenotype was not available at the time of variant classification. Additional details can be found in publication PMID: 35346344, PMCID: PMC8962531